The following is an entry in ClinVar:

NM_001256071.3(RNF213):c.7656G>A (p.Thr2552=)

Gene: RNF213 (ring finger protein 213; plus strand). Cytogenetic location: 17q25.3.
Variant type: single nucleotide variant.
Coding change: c.7656G>A on transcript NM_001256071.3 (MANE Select); coding-DNA position 7656, G replaced by A.
Protein change: p.Thr2552=; no amino-acid change (threonine 2552 retained).
Molecular consequence: synonymous variant.
Genome position (GRCh38, 1-based): chr17:80,345,991, G>A. VCF-style: chr17-80345991-G-A. GRCh37 (hg19) VCF-style: chr17-78319791-G-A.
Other names: c.7803G>A, p.Thr2601= (NM_001410195.1, NM_020914.5).
Identifiers: ClinVar variation 3046565 (VCV003046565.2), dbSNP rs752662991, ClinGen allele CA8820779.

ClinVar aggregate classification (germline): Likely benign (0 of 4 stars; one submission).

Conditions:
RNF213-related disorder. Also called: RNF213-related condition.

Allele frequency attached by ClinVar (database versions not stated): ExAC 0.00003; TOPMed 0.00008.
gnomAD v4.1: 41 of 1,614,058 alleles (0.0025%); highest among the groups gnomAD compares: Middle Eastern, 0.016%; no homozygotes.

Submission:

PreventionGenetics, part of Exact Sciences
Classification: Likely benign for RNF213-related condition. Last evaluated: 2019-03-25. Review status: no assertion criteria provided. Collection method: clinical testing. Allele origin: germline.
Comment: This variant is classified as likely benign based on ACMG/AMP sequence variant interpretation guidelines (Richards et al. 2015 PMID: 25741868, with internal and published modifications).